The following is an entry in ClinVar:

NM_006031.6(PCNT):c.231C>T (p.Asp77=)

Gene: PCNT (pericentrin; plus strand). Cytogenetic location: 21q22.3.
Variant type: single nucleotide variant.
Coding change: c.231C>T on transcript NM_006031.6 (MANE Select); coding-DNA position 231, C replaced by T.
Protein change: p.Asp77=; no amino-acid change (aspartic acid 77 retained).
Molecular consequence: synonymous variant. On other transcripts: 5 prime UTR variant (1).
Genome position (GRCh38, 1-based): chr21:46,326,553, C>T. VCF-style: chr21-46326553-C-T. GRCh37 (hg19) VCF-style: chr21-47746467-C-T.
Other names: c.-124C>T (NM_001315529.2); c.231C>T (NM_006031.5).
Identifiers: ClinVar variation 2868571 (VCV002868571.4), dbSNP rs2517878169, ClinGen allele CA512744786.

ClinVar aggregate classification (germline): Likely benign. Review status: criteria provided, multiple submitters, no conflicts (2 of 4 stars). 2 submissions from 2 submitters: Likely benign (2). Last evaluated 2024-11-05.

Conditions:
PCNT-related disorder. Also called: PCNT-related condition.

Allele frequency attached by ClinVar (database versions not stated): gnomAD exomes below 0.00001.
gnomAD v4.1: 1 of 1,614,154 alleles (0.000062%); highest among the groups gnomAD compares: Non-Finnish European, 0.000085%; no homozygotes.

Submissions (2):

PreventionGenetics, part of Exact Sciences
Classification: Likely benign for PCNT-related condition. Last evaluated: 2024-11-05. Review status: criteria provided, single submitter. Criteria: ACMG Guidelines, 2015. Collection method: clinical testing. Allele origin: germline.
Comment: This variant is classified as likely benign based on ACMG/AMP sequence variant interpretation guidelines (Richards et al. 2015 PMID: 25741868, with internal and published modifications).

Labcorp Genetics (formerly Invitae), Labcorp
Classification: Likely benign. Last evaluated: 2023-09-12. Review status: criteria provided, single submitter. Criteria: Invitae Variant Classification Sherloc (09022015). Collection method: clinical testing. Allele origin: germline.